The following is an entry in ClinVar:

ClinVar aggregate classification (germline): Uncertain significance. Review status: criteria provided, single submitter (1 of 4 stars). 2 submissions from 2 submitters: Uncertain significance (1). 1 of the submissions does not count toward it. Last evaluated 2022-09-28.

Submissions (2):

Ambry Genetics
Classification: Uncertain significance. Last evaluated: 2022-09-28. Review status: criteria provided, single submitter. Criteria: Ambry Variant Classification Scheme 2023. Collection method: clinical testing. Allele origin: germline.
Comment: The p.C590R variant (also known as c.1768T>C), located in coding exon 1 of the MLH3 gene, results from a T to C substitution at nucleotide position 1768. The cysteine at codon 590 is replaced by arginine, an amino acid with highly dissimilar properties. This amino acid position is conserved. In addition, this alteration is predicted to be tolerated by in silico analysis. Since supporting evidence is limited at this time, the clinical significance of this alteration remains unclear.

Department of Pathology and Laboratory Medicine, Sinai Health System
Classification: Uncertain significance. Review status: no assertion criteria provided. Collection method: clinical testing. Allele origin: unknown. Affected: yes. Study: The Canadian Open Genetics Repository (COGR). Not counted in ClinVar's aggregate classification.
Comment: The MLH3 p.Cys590Arg variant was not identified in the literature nor was it identified in dbSNP, ClinVar, Cosmic, LOVD 3.0, or the Insight Colon Cancer Gene Variant Database. The variant was not identified in the following control databases: the 1000 Genomes Project, the NHLBI GO Exome Sequencing Project, the Exome Aggregation Consortium (August 8th 2016), or the Genome Aggregation Database (Feb 27, 2017). The p.Cys590 residue is not conserved in mammals and four out of five computational analyses (PolyPhen-2, SIFT, AlignGVGD, MutationTaster) do not suggest a high likelihood of impact to the protein; however, this information is not predictive enough to rule out pathogenicity. The variant occurs outside of the splicing consensus sequence and in silico or computational prediction software programs (SpliceSiteFinder, MaxEntScan, NNSPLICE, GeneSplicer) do not predict a difference in splicing. In summary, based on the above information the clinical significance of this variant cannot be determined with certainty at this time. This variant is classified as a variant of uncertain significance.

NM_001040108.2(MLH3):c.1768T>C (p.Cys590Arg)

Gene: MLH3 (mutL homolog 3; minus strand). Cytogenetic location: 14q24.3.
Variant type: single nucleotide variant.
Coding change: c.1768T>C on transcript NM_001040108.2 (MANE Select); coding-DNA position 1768, T replaced by C.
Protein change: p.Cys590Arg; replaces cysteine 590 with arginine.
Molecular consequence: missense variant.
Genome position (GRCh38, 1-based): chr14:75,047,888, A>G on the plus strand (T>C on the coding strand, the complement: MLH3 is on the minus strand). VCF-style: chr14-75047888-A-G. GRCh37 (hg19) VCF-style: chr14-75514591-A-G.
Other names: c.1768T>C, p.Cys590Arg (NM_014381.3); short protein forms C590R.
Identifiers: ClinVar variation 1050632 (VCV001050632.3), dbSNP rs2139576463, ClinGen allele CA390444376.